The following is an entry in ClinVar:

ClinVar aggregate classification (germline): Uncertain significance. Review status: criteria provided, multiple submitters, no conflicts (2 of 4 stars). 2 submissions from 2 submitters: Uncertain significance (2). Last evaluated 2024-11-22.

Conditions:
Multiple acyl-CoA dehydrogenase deficiency (MADD). Also called: ETHYLMALONIC-ADIPICACIDURIA; GA II; Glutaric Acidemia type 2; Glutaric aciduria, type 2; Glutaric acidemia type II; GA 2. Identifiers: Orphanet 26791, MedGen C0268596, MONDO:0009282, OMIM 231680.

Allele frequency attached by ClinVar (database versions not stated): ESP Exome Variant Server 0.00008; 1000 Genomes Project 30x 0.00016; 1000 Genomes Project 0.00020.
gnomAD v4.1: 62 of 1,614,114 alleles (0.0038%); highest among the groups gnomAD compares: South Asian, 0.012%; no homozygotes.

Submissions (2):

Blueprint Genetics
Classification: Uncertain significance. Last evaluated: 2024-11-22. Review status: criteria provided, single submitter. Criteria: ACMG Guidelines, 2015. Collection method: clinical testing. Allele origin: germline.

Labcorp Genetics (formerly Invitae), Labcorp
Classification: Uncertain significance for Multiple acyl-CoA dehydrogenase deficiency. Last evaluated: 2022-08-22. Review status: criteria provided, single submitter. Criteria: Invitae Variant Classification Sherloc (09022015). Collection method: clinical testing. Allele origin: germline.
Comment: This sequence change replaces arginine, which is basic and polar, with tryptophan, which is neutral and slightly polar, at codon 254 of the ETFB protein (p.Arg254Trp). This variant is present in population databases (rs370522844, gnomAD 0.02%). This variant has not been reported in the literature in individuals affected with ETFB-related conditions. ClinVar contains an entry for this variant (Variation ID: 1354679). Algorithms developed to predict the effect of missense changes on protein structure and function are either unavailable or do not agree on the potential impact of this missense change (SIFT: "Tolerated"; PolyPhen-2: "Possibly Damaging"; Align-GVGD: "Class C0"). In summary, the available evidence is currently insufficient to determine the role of this variant in disease. Therefore, it has been classified as a Variant of Uncertain Significance.

NM_001985.3(ETFB):c.760C>T (p.Arg254Trp)

Gene: ETFB (electron transfer flavoprotein subunit beta; minus strand). Cytogenetic location: 19q13.41.
Variant type: single nucleotide variant.
Coding change: c.760C>T on transcript NM_001985.3 (MANE Select); coding-DNA position 760, C replaced by T.
Protein change: p.Arg254Trp; replaces arginine 254 with tryptophan.
Molecular consequence: missense variant.
Genome position (GRCh38, 1-based): chr19:51,345,219, G>A on the plus strand (C>T on the coding strand, the complement: ETFB is on the minus strand). VCF-style: chr19-51345219-G-A. GRCh37 (hg19) VCF-style: chr19-51848473-G-A.
Other names: c.1033C>T, p.Arg345Trp (NM_001014763.1); short protein forms R345W, R254W.
Identifiers: ClinVar variation 1354679 (VCV001354679.4), dbSNP rs370522844, ClinGen allele CA9610664.